The following is an entry in ClinVar:

ClinVar aggregate classification (germline): Conflicting classifications of pathogenicity. Review status: criteria provided, conflicting classifications (1 of 4 stars). 2 submissions from 2 submitters: Uncertain significance (1); Likely benign (1). Last evaluated 2026-02-03.

Conditions:
Hereditary spastic paraplegia 30. Identifiers: Orphanet 101010, MedGen C5235139, MONDO:0012476.
Neuropathy, hereditary sensory, type 2C. Also called: Hereditary sensory and autonomic neuropathy type IIC; KIF1A-Related HSAN2 (HSAN2C). Identifiers: Orphanet 970, MedGen C3280168, MONDO:0013634, OMIM 614213.
Intellectual disability, autosomal dominant 9 (NESCAVS). Also called: NESCAV SYNDROME; KIF1A-Related Neurodevelopmental Disorder. Identifiers: Orphanet 662367, MedGen C5393830, MONDO:0013656, OMIM 614255.

Allele frequency attached by ClinVar (database versions not stated): gnomAD exomes below 0.00001.
gnomAD v4.1: 2 of 1,613,642 alleles (0.00012%); highest among the groups gnomAD compares: Admixed American, 0.0033%; no homozygotes.

Submissions (2):

Labcorp Genetics (formerly Invitae), Labcorp
Classification: Likely benign for Hereditary spastic paraplegia 30; Neuropathy, hereditary sensory, type 2C; Intellectual disability, autosomal dominant 9. Last evaluated: 2026-02-03. Review status: criteria provided, single submitter. Criteria: Invitae Variant Classification Sherloc (09022015). Collection method: clinical testing. Allele origin: germline.

GeneDx
Classification: Uncertain significance. Last evaluated: 2022-03-07. Review status: criteria provided, single submitter. Criteria: GeneDx Variant Classification Process June 2021. Collection method: clinical testing. Allele origin: germline. Affected: yes.
Comment: In silico analysis supports that this missense variant has a deleterious effect on protein structure/function; Has not been previously published as pathogenic or benign to our knowledge

NM_001244008.2(KIF1A):c.3919C>T (p.Pro1307Ser)

Gene: KIF1A (kinesin family member 1A; minus strand). Cytogenetic location: 2q37.3.
Variant type: single nucleotide variant.
Coding change: c.3919C>T on transcript NM_001244008.2 (MANE Select); coding-DNA position 3919, C replaced by T.
Protein change: p.Pro1307Ser; replaces proline 1307 with serine.
Molecular consequence: missense variant.
Genome position (GRCh38, 1-based): chr2:240,737,151, G>A on the plus strand (C>T on the coding strand, the complement: KIF1A is on the minus strand). VCF-style: chr2-240737151-G-A. GRCh37 (hg19) VCF-style: chr2-241676568-G-A.
Other names: c.3643C>T, p.Pro1215Ser (NM_001320705.2, NM_001330289.2, NM_001379638.1); c.3718C>T, p.Pro1240Ser (NM_001330290.2, NM_001379634.1, NM_001379635.1 and 1 more transcripts); c.3994C>T, p.Pro1332Ser (NM_001379631.1); c.3868C>T, p.Pro1290Ser (NM_001379632.1); c.3892C>T, p.Pro1298Ser (NM_001379633.1, NM_001379642.1, NM_001379645.1); c.3730C>T, p.Pro1244Ser (NM_001379636.1); c.3691C>T, p.Pro1231Ser (NM_001379637.1, NM_001379648.1); c.3616C>T, p.Pro1206Ser (NM_001379639.1, NM_001379641.1, NM_001379649.1 and 5 more transcripts); and 1 more; short protein forms P1205S, P1206S, P1215S, P1231S, P1240S, P1244S, P1290S, P1298S.
Identifiers: ClinVar variation 1704859 (VCV001704859.7), dbSNP rs1288347488, ClinGen allele CA351312959.